The following is an entry in ClinVar:

ClinVar aggregate classification (germline): Uncertain significance (1 of 4 stars; one submission).

gnomAD v4.1: 39 of 1,606,136 alleles (0.0024%); highest among the groups gnomAD compares: Admixed American, 0.005%; no homozygotes.

Submission:

GeneDx
Classification: Uncertain significance. Last evaluated: 2024-02-13. Review status: criteria provided, single submitter. Criteria: GeneDx Variant Classification Process June 2021. Collection method: clinical testing. Allele origin: germline. Affected: yes.
Comment: Not observed at significant frequency in large population cohorts (gnomAD); In silico analysis supports that this missense variant has a deleterious effect on protein structure/function; Has not been previously published as pathogenic or benign to our knowledge

NM_001376571.1(MADD):c.68C>G (p.Pro23Arg)

Gene: MADD (MAP kinase activating death domain; plus strand). Cytogenetic location: 11p11.2.
Variant type: single nucleotide variant.
Coding change: c.68C>G on transcript NM_001376571.1 (MANE Select); coding-DNA position 68, C replaced by G.
Protein change: p.Pro23Arg; replaces proline 23 with arginine.
Molecular consequence: missense variant. On other transcripts: non-coding transcript variant (8), intron variant (1), 5 prime UTR variant (12).
Genome position (GRCh38, 1-based): chr11:47,274,568, C>G. VCF-style: chr11-47274568-C-G. GRCh37 (hg19) VCF-style: chr11-47296119-C-G.
Other names: c.68C>G, p.Pro23Arg (NM_003682.4, NM_130470.3, NM_130471.3 and 80 more transcripts); c.-7-1331C>G (NM_001376663.1); c.-137C>G (NM_001376620.1, NM_001376626.1, NM_001376627.1 and 9 more transcripts); short protein forms P23R.
Identifiers: ClinVar variation 3369027 (VCV003369027.1).